The following is an entry in ClinVar:

NM_001100.4(ACTA1):c.556G>A (p.Asp186Asn)

Gene: ACTA1 (actin alpha 1, skeletal muscle; minus strand). Cytogenetic location: 1q42.13.
Variant type: single nucleotide variant.
Coding change: c.556G>A on transcript NM_001100.4 (MANE Select); coding-DNA position 556, G replaced by A.
Protein change: p.Asp186Asn; replaces aspartic acid 186 with asparagine.
Molecular consequence: missense variant.
Genome position (GRCh38, 1-based): chr1:229,432,330, C>T on the plus strand (G>A on the coding strand, the complement: ACTA1 is on the minus strand). VCF-style: chr1-229432330-C-T. GRCh37 (hg19) VCF-style: chr1-229568077-C-T.
Other names: short protein forms D186N.
Identifiers: ClinVar variation 1467132 (VCV001467132.6), dbSNP rs2102735904, ClinGen allele CA345148277.

ClinVar aggregate classification (germline): Likely pathogenic (1 of 4 stars; one submission).

Conditions:
Actin accumulation myopathy (CMYO2A). Also called: CONGENITAL MYOPATHY 2A, TYPICAL, AUTOSOMAL DOMINANT; Myopathy, actin, congenital, with cores; Nemaline myopathy 3, with intranuclear rods; Nemaline myopathy type 3; Myopathy, actin, congenital, with excess of thin myofilaments. Identifiers: Orphanet 98904, MedGen C3711389, MONDO:0008070, OMIM 161800.

Submission:

Labcorp Genetics (formerly Invitae), Labcorp
Classification: Likely pathogenic for Actin accumulation myopathy. Last evaluated: 2021-09-05. Review status: criteria provided, single submitter. Criteria: Invitae Variant Classification Sherloc (09022015). Collection method: clinical testing. Allele origin: germline.
Comment: Advanced modeling of protein sequence and biophysical properties (such as structural, functional, and spatial information, amino acid conservation, physicochemical variation, residue mobility, and thermodynamic stability) performed at Invitae indicates that this missense variant is expected to disrupt ACTA1 protein function. In summary, the currently available evidence indicates that the variant is pathogenic, but additional data are needed to prove that conclusively. Therefore, this variant has been classified as Likely Pathogenic. This variant disrupts the p.Asp186 amino acid residue in ACTA1. Other variant(s) that disrupt this residue have been determined to be pathogenic (PMID: 23305948; Invitae). This suggests that this residue is clinically significant, and that variants that disrupt this residue are likely to be disease-causing. This variant has not been reported in the literature in individuals affected with ACTA1-related conditions. This variant is not present in population databases (ExAC no frequency). This sequence change replaces aspartic acid with asparagine at codon 186 of the ACTA1 protein (p.Asp186Asn). The aspartic acid residue is highly conserved and there is a small physicochemical difference between aspartic acid and asparagine.

Literature cited by the submitters: PubMed 23305948.